The following is an entry in ClinVar:

NM_000321.3(RB1):c.1120C>A (p.Pro374Thr)

Gene: RB1 (RB transcriptional corepressor 1; plus strand). Cytogenetic location: 13q14.2.
Variant type: single nucleotide variant.
Coding change: c.1120C>A on transcript NM_000321.3 (MANE Select); coding-DNA position 1120, C replaced by A.
Protein change: p.Pro374Thr; replaces proline 374 with threonine.
Molecular consequence: missense variant.
Genome position (GRCh38, 1-based): chr13:48,368,597, C>A. VCF-style: chr13-48368597-C-A. GRCh37 (hg19) VCF-style: chr13-48942733-C-A.
Other names: c.1120C>A, p.Pro374Thr (NM_001407165.1, NM_001407166.1); short protein forms P374T.
Identifiers: ClinVar variation 4863018 (VCV004863018.1).

ClinVar aggregate classification (germline): Uncertain significance (1 of 4 stars; one submission).

Conditions:
Hereditary cancer-predisposing syndrome. Also called: Neoplastic Syndromes, Hereditary; Tumor predisposition; Hereditary Cancer Syndrome; Hereditary neoplastic syndrome. Identifiers: Orphanet 140162, MedGen C0027672, MeSH D009386, MONDO:0015356.

Submission:

Ambry Genetics
Classification: Uncertain significance for Hereditary cancer-predisposing syndrome. Last evaluated: 2026-04-18. Review status: criteria provided, single submitter. Criteria: Ambry Variant Classification Scheme 2023. Collection method: clinical testing. Allele origin: germline.
Comment: The p.P374T variant (also known as c.1120C>A), located in coding exon 11 of the RB1 gene, results from a C to A substitution at nucleotide position 1120. The proline at codon 374 is replaced by threonine, an amino acid with highly similar properties. This amino acid position is conserved. In addition, this alteration is predicted to be deleterious by in silico analysis. Based on the available evidence, the clinical significance of this variant remains unclear.